The following is an entry in ClinVar:

NM_015570.4(AUTS2):c.3182T>C (p.Phe1061Ser)

Gene: AUTS2 (activator of transcription and developmental regulator AUTS2; plus strand). Cytogenetic location: 7q11.22.
Variant type: single nucleotide variant.
Coding change: c.3182T>C on transcript NM_015570.4 (MANE Select); coding-DNA position 3182, T replaced by C.
Protein change: p.Phe1061Ser; replaces phenylalanine 1061 with serine.
Molecular consequence: missense variant.
Genome position (GRCh38, 1-based): chr7:70,790,398, T>C. VCF-style: chr7-70790398-T-C. GRCh37 (hg19) VCF-style: chr7-70255384-T-C.
Other names: c.3110T>C, p.Phe1037Ser (NM_001127231.3); c.3182T>C (NM_015570.2); short protein forms F1061S, F1037S.
Identifiers: ClinVar variation 1976870 (VCV001976870.6), dbSNP rs1039141349, ClinGen allele CA160016736.
Genomic context (GRCh38, chr7:70,790,398, plus strand): 5'-ACAGGACTCGCATGATGACCCCCTTCATGGGCATCAGCCCCCTCCCGGGCGGAGAGCGCT[T>C]CCCGTACCCTTCTTTCCACTGGGACCCCATCCGGGACCCCTTGAGGGATCCTTACCGAGA-3'
Protein context (NP_056385.1, residues 1051-1071): GISPLPGGER[Phe1061Ser]PYPSFHWDPI

ClinVar aggregate classification (germline): Uncertain significance. Review status: criteria provided, multiple submitters, no conflicts (2 of 4 stars). 2 submissions from 2 submitters: Uncertain significance (2). Last evaluated 2023-05-11.

Allele frequency attached by ClinVar (database versions not stated): gnomAD exomes below 0.00001.
gnomAD v4.1: 1 of 1,613,530 alleles (0.000062%); highest among the groups gnomAD compares: African/African-American, 0.0013%; no homozygotes.

Submissions (2):

GeneDx
Classification: Uncertain significance. Last evaluated: 2023-05-11. Review status: criteria provided, single submitter. Criteria: GeneDx Variant Classification Process June 2021. Collection method: clinical testing. Allele origin: germline. Affected: yes.
Comment: Not observed at significant frequency in large population cohorts (gnomAD); In silico analysis supports that this missense variant has a deleterious effect on protein structure/function; Has not been previously published as pathogenic or benign to our knowledge

Labcorp Genetics (formerly Invitae), Labcorp
Classification: Uncertain significance. Last evaluated: 2022-10-01. Review status: criteria provided, single submitter. Criteria: Invitae Variant Classification Sherloc (09022015). Collection method: clinical testing. Allele origin: germline.
Comment: This sequence change replaces phenylalanine, which is neutral and non-polar, with serine, which is neutral and polar, at codon 1061 of the AUTS2 protein (p.Phe1061Ser). In summary, the available evidence is currently insufficient to determine the role of this variant in disease. Therefore, it has been classified as a Variant of Uncertain Significance. Advanced modeling of protein sequence and biophysical properties (such as structural, functional, and spatial information, amino acid conservation, physicochemical variation, residue mobility, and thermodynamic stability) performed at Invitae indicates that this missense variant is expected to disrupt AUTS2 protein function. This variant has not been reported in the literature in individuals affected with AUTS2-related conditions. This variant is not present in population databases (gnomAD no frequency).